The following is an entry in ClinVar:

NM_000077.5(CDKN2A):c.262G>C (p.Glu88Gln)

Gene: CDKN2A (cyclin dependent kinase inhibitor 2A; minus strand). Cytogenetic location: 9p21.3.
Variant type: single nucleotide variant.
Coding change: c.262G>C on transcript NM_000077.5; coding-DNA position 262, G replaced by C.
Protein change: p.Glu88Gln; replaces glutamic acid 88 with glutamine.
Molecular consequence: missense variant (on NM_000077.6). On other transcripts: 3 prime UTR variant (1).
Genome position (GRCh38, 1-based): chr9:21,971,097, C>G on the plus strand (G>C on the coding strand, the complement: CDKN2A is on the minus strand). VCF-style: chr9-21971097-C-G. GRCh37 (hg19) VCF-style: chr9-21971096-C-G.
Other names: c.262G>C, p.Glu88Gln (NM_000077.6, NM_001195132.2); c.109G>C, p.Glu37Gln (NM_001363763.2); c.305G>C, p.Gly102Ala (NM_058195.4); c.*185G>C (NM_058197.5); short protein forms E88Q, G102A, E37Q.
Identifiers: ClinVar variation 619828 (VCV000619828.12), dbSNP rs121913384, ClinGen allele CA373086205.

ClinVar aggregate classification (germline): Uncertain significance. Review status: criteria provided, multiple submitters, no conflicts (2 of 4 stars). 5 submissions from 5 submitters: Uncertain significance (5). Last evaluated 2024-05-14.

Conditions:
Melanoma-pancreatic cancer syndrome. Identifiers: Orphanet 404560, MedGen C1838547, MONDO:0011713, OMIM 606719. Disease mechanism: loss of function.
Melanoma, cutaneous malignant, susceptibility to, 2 (CMM2). Also called: CDKN2A-Related Cutaneous Malignant Melanoma; Cutaneous malignant melanoma 2. Identifiers: Orphanet 618, MedGen C1835044, MONDO:0007964, OMIM 155601.
Melanoma and neural system tumor syndrome. Also called: MELANOMA-ASTROCYTOMA SYNDROME. Identifiers: Orphanet 252206, MedGen C1835042, MONDO:0007967, OMIM 155755.
Familial melanoma. Also called: Hereditary melanoma; Hereditary cutaneous melanoma. Identifiers: Orphanet 618, MedGen C1512419, MONDO:0018961.
Hereditary cancer-predisposing syndrome. Also called: Neoplastic Syndromes, Hereditary; Tumor predisposition; Hereditary Cancer Syndrome; Hereditary neoplastic syndrome. Identifiers: Orphanet 140162, MedGen C0027672, MeSH D009386, MONDO:0015356.

Allele frequency attached by ClinVar (database versions not stated): gnomAD exomes below 0.00001.
gnomAD v4.1: 1 of 1,604,926 alleles (0.000062%); highest among the groups gnomAD compares: Non-Finnish European, 0.000085%; no homozygotes.

Submissions (5):

Fulgent Genetics
Classification: Uncertain significance for Melanoma, cutaneous malignant, susceptibility to, 2; Melanoma and neural system tumor syndrome; Melanoma-pancreatic cancer syndrome. Last evaluated: 2024-05-14. Review status: criteria provided, single submitter. Criteria: ACMG Guidelines, 2015. Collection method: clinical testing. Allele origin: germline.

Ambry Genetics
Classification: Uncertain significance for Hereditary cancer-predisposing syndrome. Last evaluated: 2024-01-08. Review status: criteria provided, single submitter. Criteria: Ambry Variant Classification Scheme 2023. Collection method: clinical testing. Allele origin: germline.
Comment: The p.E88Q variant (also known as c.262G>C), located in coding exon 2 of the CDKN2A gene, results from a G to C substitution at nucleotide position 262. The glutamic acid at codon 88 is replaced by glutamine, an amino acid with highly similar properties. The affected proband was also found to have a pathogenic frameshift mutation in the CDKN2A gene that was not present in the unaffected relative (Levanat S et al. Croat Med J, 2003 Aug;44:418-24). This amino acid position is not well conserved in available vertebrate species. In addition, the in silico prediction for this alteration is inconclusive. Since supporting evidence is limited at this time, the clinical significance of this alteration remains unclear.

Labcorp Genetics (formerly Invitae), Labcorp
Classification: Uncertain significance for Familial melanoma. Last evaluated: 2023-06-02. Review status: criteria provided, single submitter. Criteria: Invitae Variant Classification Sherloc (09022015). Collection method: clinical testing. Allele origin: germline.
Comment: The CDKN2A gene encodes two different proteins, p16INK4a and p14ARF, which are translated from alternative transcripts with different open reading frames. Both transcripts have been analyzed. We report either the variant with the higher classification or default to the CDKN2A (p16INK4a) variant. This report therefore includes the details for the CDKN2A (p16INK4a) variant. This sequence change replaces glutamic acid, which is acidic and polar, with glutamine, which is neutral and polar, at codon 88 of the CDKN2A (p16INK4a) protein (p.Glu88Gln). ClinVar contains an entry for this variant (Variation ID: 619828). An algorithm developed to predict the effect of missense changes on protein structure and function (PolyPhen-2) suggests that this variant is likely to be disruptive. This variant is also known as c.305G>C (p.Gly102Ala) in the CDKN2A (p14ARF) transcript. In summary, the available evidence is currently insufficient to determine the role of this variant in disease. Therefore, it has been classified as a Variant of Uncertain Significance. This missense change has been observed in individual(s) with melanoma who also carries a pathogenic variant in CDKN2A (PMID: 12950144). This variant is not present in population databases (gnomAD no frequency).

Sema4
Classification: Uncertain significance for Hereditary cancer-predisposing syndrome. Last evaluated: 2022-02-14. Review status: criteria provided, single submitter. Criteria: Sema4 Curation Guidelines. Collection method: curation. Allele origin: germline.
Comment: The CDKN2A c.262G>C (p.E88Q) variant has been reported in heterozygosity in at least one individual with melanoma; however, this patient also had at least one pathogenic variant in CDKN2A (PMID: 12950144). It was not observed in the large and broad cohorts of the Genome Aggregation Database. The variant has been reported in ClinVar (Variation ID 619828). Functional studies have not been performed, and in silico predictions of the variant's effect on protein function are inconclusive. The evidence is insufficient to meet ACMG/AMP criteria for classifying the variant as benign or pathogenic. Thus, the clinical significance of this variant is currently uncertain.

Quest Diagnostics Nichols Institute San Juan Capistrano
Classification: Uncertain significance. Last evaluated: 2018-03-02. Review status: criteria provided, single submitter. Criteria: Quest Diagnostics criteria. Collection method: clinical testing. Allele origin: germline.

Literature cited by the submitters: PubMed 12950144 (cited by 3 submitters).